The following is an entry in ClinVar:

ClinVar aggregate classification (germline): Pathogenic/Likely pathogenic. Review status: criteria provided, multiple submitters, no conflicts (2 of 4 stars). 2 submissions from 2 submitters: Pathogenic (1); Likely pathogenic (1). Last evaluated 2023-02-22.

Conditions:
Autosomal recessive limb-girdle muscular dystrophy type R18 (LGMDR18). Also called: MUSCULAR DYSTROPHY, LIMB-GIRDLE, AUTOSOMAL RECESSIVE 18; Autosomal recessive limb-girdle muscular dystrophy type 2S; Limb-girdle muscular dystrophy, type 2S. Identifiers: Orphanet 369840, MedGen C4517996, MONDO:0014144, OMIM 615356.

Submissions (2):

Labcorp Genetics (formerly Invitae), Labcorp
Classification: Pathogenic for Autosomal recessive limb-girdle muscular dystrophy type R18. Last evaluated: 2023-02-22. Review status: criteria provided, single submitter. Criteria: Invitae Variant Classification Sherloc (09022015). Collection method: clinical testing. Allele origin: germline.
Comment: For these reasons, this variant has been classified as Pathogenic. ClinVar contains an entry for this variant (Variation ID: 450782). This variant has not been reported in the literature in individuals affected with TRAPPC11-related conditions. This variant is present in population databases (rs769785004, gnomAD 0.004%). This sequence change creates a premature translational stop signal (p.Val124Glyfs*15) in the TRAPPC11 gene. It is expected to result in an absent or disrupted protein product. Loss-of-function variants in TRAPPC11 are known to be pathogenic (PMID: 23830518, 26322222).

GeneDx
Classification: Likely pathogenic. Last evaluated: 2017-07-31. Review status: criteria provided, single submitter. Criteria: GeneDx Variant Classification (06012015). Collection method: clinical testing. Allele origin: germline. Affected: yes.
Comment: The c.371_374delTCAG variant in the TRAPPC11 gene has not been reported previously as a pathogenic variant nor as a benign variant, to our knowledge. The c.371_374delTCAG variant causes a frameshift starting with codon Valine 124, changes this amino acid to a Glycine residue, and creates a premature Stop codon at position 15 of the new reading frame, denoted p.Val124GlyfsX15. This variant is predicted to cause loss of normal protein function either through protein truncation or nonsense-mediated mRNA decay. The c.371_374delTCAG variant is not observed at a significant frequency in large population cohorts (Lek et al., 2016; 1000 Genomes Consortium et al., 2015; Exome Variant Server). We interpret c.371_374delTCAG as a likely pathogenic variant.

Literature cited by the submitters: PubMed 23830518 (cited by Labcorp Genetics (formerly Invitae), Labcorp); PubMed 26322222 (cited by Labcorp Genetics (formerly Invitae), Labcorp).

NM_021942.6(TRAPPC11):c.371_374del (p.Val124fs)

Gene: TRAPPC11 (trafficking protein particle complex subunit 11; plus strand). Cytogenetic location: 4q35.1.
Variant type: Deletion.
Coding change: c.371_374del on transcript NM_021942.6 (MANE Select); coding-DNA positions 371 to 374, 4 bases deleted (TCAG; older notation c.371_374delTCAG).
Protein change: p.Val124fs; shifts the reading frame from valine 124.
Molecular consequence: frameshift variant.
Genome position (GRCh38, 1-based): chr4:183,666,423-183,666,426, TCAG deleted; deleting any 4 consecutive bases within chr4:183,666,421-183,666,426 gives the same sequence; the c. name uses the placement nearest the transcript's 3' end. VCF-style (leftmost placement, unchanged base first): chr4-183666420-TAGTC-T. GRCh37 (hg19) VCF-style: chr4-184587573-TAGTC-T.
Other names: c.371_374del, p.Val124fs (NM_199053.3); short protein forms V124fs.
Identifiers: ClinVar variation 450782 (VCV000450782.5), dbSNP rs769785004, ClinGen allele CA3151557.